The following is an entry in ClinVar:

ClinVar aggregate classification (germline): Uncertain significance (1 of 4 stars; one submission).

Submission:

CeGaT Center for Human Genetics Tuebingen
Classification: Uncertain significance. Last evaluated: 2025-08-01. Review status: criteria provided, single submitter. Criteria: CeGaT Center For Human Genetics Tuebingen Variant Classification Criteria Version 2. Collection method: clinical testing. Allele origin: germline. Affected: yes. Observed: 1 variant allele.
Comment: TRAF7: PM2

NM_032271.3(TRAF7):c.93A>T (p.Glu31Asp)

Gene: TRAF7 (TNF receptor associated factor 7; plus strand). Cytogenetic location: 16p13.3.
Variant type: single nucleotide variant.
Coding change: c.93A>T on transcript NM_032271.3 (MANE Select); coding-DNA position 93, A replaced by T.
Protein change: p.Glu31Asp; replaces glutamic acid 31 with aspartic acid.
Molecular consequence: missense variant.
Genome position (GRCh38, 1-based): chr16:2,165,890, A>T. VCF-style: chr16-2165890-A-T. GRCh37 (hg19) VCF-style: chr16-2215891-A-T.
Other names: short protein forms E31D.
Identifiers: ClinVar variation 4085933 (VCV004085933.8).